The following is an entry in ClinVar:

ClinVar aggregate classification (germline): Uncertain significance. Review status: criteria provided, multiple submitters, no conflicts (2 of 4 stars). 3 submissions from 3 submitters: Uncertain significance (3). Last evaluated 2024-10-19.

Conditions:
Dilated cardiomyopathy 1KK (CMD1KK). Identifiers: Orphanet 154, Orphanet 75249, MedGen C3714995, MONDO:0014100, OMIM 615248.
MYPN-related myopathy (CMYO24). Also called: Nemaline myopathy 11, autosomal recessive. Identifiers: MedGen C4479186, MONDO:0015023, OMIM 617336.
Cardiovascular phenotype. Identifiers: MedGen CN230736.

Allele frequency attached by ClinVar (database versions not stated): ExAC 0.00002; gnomAD 0.00002 and 0.00003; gnomAD exomes 0.00002; 1000 Genomes Project 30x 0.00016; 1000 Genomes Project 0.00020.
gnomAD v4.1: 4 of 1,613,654 alleles (0.00025%); highest among the groups gnomAD compares: African/African-American, 0.0053%; no homozygotes.

Submissions (3):

Ambry Genetics
Classification: Uncertain significance for Cardiovascular phenotype. Last evaluated: 2024-10-19. Review status: criteria provided, single submitter. Criteria: Ambry Variant Classification Scheme 2023. Collection method: clinical testing. Allele origin: germline.
Comment: The p.Q572H variant (also known as c.1716A>C), located in coding exon 9 of the MYPN gene, results from an A to C substitution at nucleotide position 1716. The glutamine at codon 572 is replaced by histidine, an amino acid with highly similar properties. This amino acid position is conserved. In addition, this alteration is predicted to be tolerated by in silico analysis. Based on the available evidence, the clinical significance of this variant remains unclear.

Labcorp Genetics (formerly Invitae), Labcorp
Classification: Uncertain significance for Dilated cardiomyopathy 1KK. Last evaluated: 2022-03-08. Review status: criteria provided, single submitter. Criteria: Invitae Variant Classification Sherloc (09022015). Collection method: clinical testing. Allele origin: germline.
Comment: This variant is present in population databases (rs567930066, gnomAD 0.02%). This sequence change replaces glutamine, which is neutral and polar, with histidine, which is basic and polar, at codon 572 of the MYPN protein (p.Gln572His). This variant has not been reported in the literature in individuals affected with MYPN-related conditions. Algorithms developed to predict the effect of missense changes on protein structure and function output the following: SIFT: "Tolerated"; PolyPhen-2: "Benign"; Align-GVGD: "Class C0". The histidine amino acid residue is found in multiple mammalian species, which suggests that this missense change does not adversely affect protein function. In summary, the available evidence is currently insufficient to determine the role of this variant in disease. Therefore, it has been classified as a Variant of Uncertain Significance.

Fulgent Genetics
Classification: Uncertain significance for Dilated cardiomyopathy 1KK; MYPN-related myopathy. Last evaluated: 2021-10-06. Review status: criteria provided, single submitter. Criteria: ACMG Guidelines, 2015. Collection method: clinical testing. Allele origin: unknown.

NM_032578.4(MYPN):c.1716A>C (p.Gln572His)

Gene: MYPN (myopalladin; plus strand). Cytogenetic location: 10q21.3.
Variant type: single nucleotide variant.
Coding change: c.1716A>C on transcript NM_032578.4 (MANE Select); coding-DNA position 1716, A replaced by C.
Protein change: p.Gln572His; replaces glutamine 572 with histidine.
Molecular consequence: missense variant. On other transcripts: non-coding transcript variant (2).
Genome position (GRCh38, 1-based): chr10:68,166,409, A>C. VCF-style: chr10-68166409-A-C. GRCh37 (hg19) VCF-style: chr10-69926166-A-C.
Other names: c.1716A>C, p.Gln572His (NM_001256267.2); c.834A>C, p.Gln278His (NM_001256268.2); c.1716A>C (NM_032578.2); short protein forms Q572H, Q278H.
Identifiers: ClinVar variation 1374283 (VCV001374283.9), dbSNP rs567930066, ClinGen allele CA5522643.